The following is an entry in ClinVar:

ClinVar aggregate classification (germline): Benign (0 of 4 stars; one submission).

Conditions:
BIRC6-related disorder. Also called: BIRC6-related condition.

Allele frequency attached by ClinVar (database versions not stated): 1000 Genomes Project 0.00599; 1000 Genomes Project 30x 0.00687; ESP Exome Variant Server 0.00692.
gnomAD v4.1: 1,666 of 1,613,986 alleles (0.1%); highest among the groups gnomAD compares: African/African-American, 1.9%; 21 homozygotes.

Submission:

PreventionGenetics, part of Exact Sciences
Classification: Benign for BIRC6-related condition. Last evaluated: 2019-11-11. Review status: no assertion criteria provided. Collection method: clinical testing. Allele origin: germline.
Comment: This variant is classified as benign based on ACMG/AMP sequence variant interpretation guidelines (Richards et al. 2015 PMID: 25741868, with internal and published modifications).

NM_016252.4(BIRC6):c.13284A>T (p.Glu4428Asp)

Gene: BIRC6 (baculoviral IAP repeat containing 6; plus strand). Cytogenetic location: 2p22.3.
Variant type: single nucleotide variant.
Coding change: c.13284A>T on transcript NM_016252.4 (MANE Select); coding-DNA position 13284, A replaced by T.
Protein change: p.Glu4428Asp; replaces glutamic acid 4428 with aspartic acid.
Molecular consequence: missense variant.
Genome position (GRCh38, 1-based): chr2:32,575,295, A>T. VCF-style: chr2-32575295-A-T. GRCh37 (hg19) VCF-style: chr2-32800362-A-T.
Other names: c.13281A>T, p.Glu4427Asp (NM_001378125.1); short protein forms E4427D, E4428D.
Identifiers: ClinVar variation 3038525 (VCV003038525.2), dbSNP rs116818533, ClinGen allele CA1605489.